The following is an entry in ClinVar:

NM_015335.5(MED13L):c.1709G>A (p.Ser570Asn)

Gene: MED13L (mediator complex subunit 13L; minus strand). Cytogenetic location: 12q24.21.
Variant type: single nucleotide variant.
Coding change: c.1709G>A on transcript NM_015335.5 (MANE Select); coding-DNA position 1709, G replaced by A.
Protein change: p.Ser570Asn; replaces serine 570 with asparagine.
Molecular consequence: missense variant.
Genome position (GRCh38, 1-based): chr12:116,008,704, C>T on the plus strand (G>A on the coding strand, the complement: MED13L is on the minus strand). VCF-style: chr12-116008704-C-T. GRCh37 (hg19) VCF-style: chr12-116446509-C-T.
Other names: short protein forms S570N.
Identifiers: ClinVar variation 3036517 (VCV003036517.2), dbSNP rs767297698, ClinGen allele CA6811372.

ClinVar aggregate classification (germline): Likely benign (0 of 4 stars; one submission).

Conditions:
MED13L-related disorder. Also called: MED13L-related condition.

Allele frequency attached by ClinVar (database versions not stated): gnomAD exomes 0.00002; ExAC 0.00004.
gnomAD v4.1: 15 of 1,614,036 alleles (0.00093%); highest among the groups gnomAD compares: South Asian, 0.0011%; no homozygotes.

Submission:

PreventionGenetics, part of Exact Sciences
Classification: Likely benign for MED13L-related condition. Last evaluated: 2021-01-05. Review status: no assertion criteria provided. Collection method: clinical testing. Allele origin: germline.
Comment: This variant is classified as likely benign based on ACMG/AMP sequence variant interpretation guidelines (Richards et al. 2015 PMID: 25741868, with internal and published modifications).